The following is an entry in ClinVar:

NM_001384140.1(PCDH15):c.4671+1440C>T

Gene: PCDH15 (protocadherin related 15; minus strand). Cytogenetic location: 10q21.1.
Variant type: single nucleotide variant.
Coding change: c.4671+1440C>T on transcript NM_001384140.1 (MANE Select); 1440 bases into the intron after coding-DNA position 4671, C replaced by T.
Molecular consequence: intron variant. On other transcripts: missense variant (2), 3 prime UTR variant (1).
Genome position (GRCh38, 1-based): chr10:53,809,116, G>A on the plus strand (C>T on the coding strand, the complement: PCDH15 is on the minus strand). VCF-style: chr10-53809116-G-A. GRCh37 (hg19) VCF-style: chr10-55568876-G-A.
Other names: c.4949C>T, p.Ser1650Leu (NM_001142769.4); c.*364C>T (NM_001142770.3); c.4928C>T, p.Ser1643Leu (NM_001354411.2); c.4476+1440C>T (NM_001354420.2); c.4605+1440C>T (NM_001354429.2); c.4482+1440C>T (NM_001142772.2); c.4497+1440C>T (NM_001142771.2); short protein forms S1643L, S1650L.
Identifiers: ClinVar variation 741329 (VCV000741329.14), dbSNP rs183631592, ClinGen allele CA5504766.
Genomic context (GRCh38, chr10:53,809,116, plus strand): 5'-CTTCTTCTTGCAAGCACAATGTTTTTCCTTGCTTTTTCTCCTTCTGACTCTGTGGATTCC[G>A]ATTCTTCTGATTCAGGGGTGGAACTCTCCTCCTCCTCAGAGGGTGTCTCTGACTCAGATT-3'

ClinVar aggregate classification (germline): Conflicting classifications of pathogenicity. Review status: criteria provided, conflicting classifications (1 of 4 stars). 4 submissions from 4 submitters: Uncertain significance (1); Likely benign (3). Last evaluated 2025-07-15.

Conditions:
PCDH15-related disorder. Also called: PCDH15-related disorders; PCDH15-related condition.
Inborn genetic diseases. Identifiers: MedGen C0950123, MeSH D030342.

Allele frequency attached by ClinVar (database versions not stated): gnomAD 0.00061 and 0.00064; TOPMed 0.00079; 1000 Genomes Project 0.00100; 1000 Genomes Project 30x 0.00094; ESP Exome Variant Server 0.00049.
gnomAD v4.1: 246 of 1,613,788 alleles (0.015%); highest among the groups gnomAD compares: African/African-American, 0.2%; 1 homozygote.

Submissions (4):

Ambry Genetics
Classification: Uncertain significance for Inborn genetic diseases. Last evaluated: 2025-07-15. Review status: criteria provided, single submitter. Criteria: Ambry Variant Classification Scheme 2023. Collection method: clinical testing. Allele origin: germline.

PreventionGenetics, part of Exact Sciences
Classification: Likely benign for PCDH15-related condition. Last evaluated: 2024-12-10. Review status: criteria provided, single submitter. Criteria: ACMG Guidelines, 2015. Collection method: clinical testing. Allele origin: germline.
Comment: This variant is classified as likely benign based on ACMG/AMP sequence variant interpretation guidelines (Richards et al. 2015 PMID: 25741868, with internal and published modifications).

Blueprint Genetics
Classification: Likely benign. Last evaluated: 2024-07-05. Review status: criteria provided, single submitter. Criteria: ACMG Guidelines, 2015. Collection method: clinical testing. Allele origin: germline.

Labcorp Genetics (formerly Invitae), Labcorp
Classification: Likely benign. Last evaluated: 2020-08-01. Review status: criteria provided, single submitter. Criteria: Invitae Variant Classification Sherloc (09022015). Collection method: clinical testing. Allele origin: germline.